The following is an entry in ClinVar:

ClinVar aggregate classification (germline): Pathogenic (1 of 4 stars; one submission).

Conditions:
Fanconi anemia complementation group O. Also called: RAD51C-Related Fanconi Anemia. Identifiers: Orphanet 84, MedGen C3150653, MONDO:0013248, OMIM 613390.

Submission:

Labcorp Genetics (formerly Invitae), Labcorp
Classification: Pathogenic for Fanconi anemia complementation group O. Last evaluated: 2025-08-13. Review status: criteria provided, single submitter. Criteria: Invitae Variant Classification Sherloc (09022015). Collection method: clinical testing. Allele origin: germline.
Comment: This sequence change creates a premature translational stop signal (p.Thr78Asnfs*23) in the RAD51C gene. It is expected to result in an absent or disrupted protein product. Loss-of-function variants in RAD51C are known to be pathogenic (PMID: 20400964, 21990120, 24800917, 29278735). This variant is not present in population databases (gnomAD no frequency). This variant has not been reported in the literature in individuals affected with RAD51C-related conditions. Algorithms developed to predict the effect of sequence changes on RNA splicing suggest that this variant may disrupt the consensus splice site. For these reasons, this variant has been classified as Pathogenic.

Literature cited by the submitters: PubMed 20400964; PubMed 21990120; PubMed 24800917; PubMed 29278735.

NM_058216.3(RAD51C):c.233del (p.Thr78fs)

Gene: RAD51C (RAD51 paralog C; plus strand). Cytogenetic location: 17q22.
Variant type: Deletion.
Coding change: c.233del on transcript NM_058216.3 (MANE Select); coding-DNA position 233, one base deleted (C; older notation c.233delC).
Protein change: p.Thr78fs; shifts the reading frame from threonine 78.
Molecular consequence: frameshift variant. On other transcripts: non-coding transcript variant (2).
Genome position (GRCh38, 1-based): chr17:58,695,018, C deleted. VCF-style (leftmost placement, unchanged base first): chr17-58695017-AC-A. GRCh37 (hg19) VCF-style: chr17-56772378-AC-A.
Other names: c.233del, p.Thr78fs (NM_002876.4); short protein forms T78fs.
Identifiers: ClinVar variation 4725406 (VCV004725406.1).
Genomic context (GRCh38, chr17:58,695,017, plus strand): 5'-TTAGAAACTCTGCAAATTATCAGAAGAGAATGTCTCACAAATAAACCAAGATATGCTGGT[AC>A]ATCTGAGTCACACAAGAAGTGTACAGCACTGGAACTTCTTGAGCAGGAGCATACCCAGGG-3'